The following is an entry in ClinVar:

ClinVar aggregate classification (germline): Uncertain significance. Review status: criteria provided, multiple submitters, no conflicts (2 of 4 stars). 5 submissions from 5 submitters: Uncertain significance (5). Last evaluated 2025-10-08.

Conditions:
Inborn genetic diseases. Identifiers: MedGen C0950123, MeSH D030342.
Congenital stationary night blindness 1E. Also called: Night blindness, congenital stationary (complete), 1E, autosomal recessive. Identifiers: Orphanet 215, MedGen C3281215, MONDO:0013807, OMIM 614565.

Allele frequency attached by ClinVar (database versions not stated): gnomAD exomes 0.00001 and 0.00004; TOPMed 0.00002; ExAC 0.00007.
gnomAD v4.1: 8 of 1,588,304 alleles (0.0005%); highest among the groups gnomAD compares: Admixed American, 0.014%; no homozygotes.

Submissions (5):

Labcorp Genetics (formerly Invitae), Labcorp
Classification: Uncertain significance. Last evaluated: 2025-10-08. Review status: criteria provided, single submitter. Criteria: Invitae Variant Classification Sherloc (09022015). Collection method: clinical testing. Allele origin: germline.
Comment: This sequence change replaces threonine, which is neutral and polar, with alanine, which is neutral and non-polar, at codon 509 of the GPR179 protein (p.Thr509Ala). This variant is present in population databases (rs751897940, gnomAD 0.03%). This variant has not been reported in the literature in individuals affected with GPR179-related conditions. ClinVar contains an entry for this variant (Variation ID: 1468356). An algorithm developed to predict the effect of missense changes on protein structure and function (PolyPhen-2) suggests that this variant is likely to be disruptive. In summary, the available evidence is currently insufficient to determine the role of this variant in disease. Therefore, it has been classified as a Variant of Uncertain Significance.

3billion
Classification: Uncertain significance for Congenital stationary night blindness 1E. Last evaluated: 2025-04-09. Review status: criteria provided, single submitter. Criteria: ACMG Guidelines, 2015. Collection method: clinical testing. Allele origin: germline. Affected: yes.

Ambry Genetics
Classification: Uncertain significance for Inborn genetic diseases. Last evaluated: 2024-03-07. Review status: criteria provided, single submitter. Criteria: Ambry Variant Classification Scheme 2023. Collection method: clinical testing. Allele origin: germline.

GeneDx
Classification: Uncertain significance. Last evaluated: 2022-11-11. Review status: criteria provided, single submitter. Criteria: GeneDx Variant Classification Process June 2021. Collection method: clinical testing. Allele origin: germline. Affected: yes.
Comment: In silico analysis supports that this missense variant has a deleterious effect on protein structure/function; Has not been previously published as pathogenic or benign to our knowledge

Blueprint Genetics
Classification: Uncertain significance. Last evaluated: 2021-03-26. Review status: criteria provided, single submitter. Criteria: ACMG Guidelines, 2015. Collection method: clinical testing. Allele origin: germline.

NM_001004334.4(GPR179):c.1525A>G (p.Thr509Ala)

Gene: GPR179 (G protein-coupled receptor 179; minus strand). Cytogenetic location: 17q12.
Variant type: single nucleotide variant.
Coding change: c.1525A>G on transcript NM_001004334.4 (MANE Select); coding-DNA position 1525, A replaced by G.
Protein change: p.Thr509Ala; replaces threonine 509 with alanine.
Molecular consequence: missense variant.
Genome position (GRCh38, 1-based): chr17:38,335,153, T>C on the plus strand (A>G on the coding strand, the complement: GPR179 is on the minus strand). VCF-style: chr17-38335153-T-C. GRCh37 (hg19) VCF-style: chr17-36491036-T-C.
Other names: c.1525A>G (NM_001004334.3, NM_001004334.2); short protein forms T509A.
Identifiers: ClinVar variation 1468356 (VCV001468356.10), dbSNP rs751897940, ClinGen allele CA290108669.